The following is an entry in ClinVar:

NM_007186.6(CEP250):c.565C>T (p.Arg189Cys)

Gene: CEP250 (centrosomal protein 250; plus strand). Cytogenetic location: 20q11.22.
Variant type: single nucleotide variant.
Coding change: c.565C>T on transcript NM_007186.6 (MANE Select); coding-DNA position 565, C replaced by T.
Protein change: p.Arg189Cys; replaces arginine 189 with cysteine.
Molecular consequence: missense variant. On other transcripts: 5 prime UTR variant (1).
Genome position (GRCh38, 1-based): chr20:35,467,038, C>T. VCF-style: chr20-35467038-C-T. GRCh37 (hg19) VCF-style: chr20-34054863-C-T.
Other names: c.-1335C>T (NM_001318219.1); short protein forms R189C.
Identifiers: ClinVar variation 2170858 (VCV002170858.4), dbSNP rs765592288, ClinGen allele CA9832645.

ClinVar aggregate classification (germline): Uncertain significance (1 of 4 stars; one submission).

Allele frequency attached by ClinVar (database versions not stated): TOPMed below 0.00001; gnomAD exomes 0.00001; ExAC 0.00002.
gnomAD v4.1: 11 of 1,613,788 alleles (0.00068%); highest among the groups gnomAD compares: Middle Eastern, 0.017%; 1 homozygote.

Submission:

Labcorp Genetics (formerly Invitae), Labcorp
Classification: Uncertain significance. Last evaluated: 2023-05-15. Review status: criteria provided, single submitter. Criteria: Invitae Variant Classification Sherloc (09022015). Collection method: clinical testing. Allele origin: germline.
Comment: In summary, the available evidence is currently insufficient to determine the role of this variant in disease. Therefore, it has been classified as a Variant of Uncertain Significance. An algorithm developed to predict the effect of missense changes on protein structure and function (PolyPhen-2) suggests that this variant is likely to be disruptive. ClinVar contains an entry for this variant (Variation ID: 2170858). This variant has not been reported in the literature in individuals affected with CEP250-related conditions. This variant is present in population databases (rs765592288, gnomAD 0.002%). This sequence change replaces arginine, which is basic and polar, with cysteine, which is neutral and slightly polar, at codon 189 of the CEP250 protein (p.Arg189Cys).